The following is an entry in ClinVar:

NM_006030.4(CACNA2D2):c.3079G>T (p.Asp1027Tyr)

Genes: CACNA2D2 (calcium voltage-gated channel auxiliary subunit alpha2delta 2; minus strand), LOC101928965 (uncharacterized LOC101928965; plus strand), LOC127898564 (CYB561D2-LOC101928965; plus strand). Cytogenetic location: 3p21.31.
Variant type: single nucleotide variant.
Coding change: c.3079G>T on transcript NM_006030.4 (MANE Select); coding-DNA position 3079, G replaced by T.
Protein change: p.Asp1027Tyr; replaces aspartic acid 1027 with tyrosine.
Molecular consequence: missense variant. On other transcripts: non-coding transcript variant (2).
Genome position (GRCh38, 1-based): chr3:50,365,375, C>A on the plus strand (G>T on the coding strand, the complement: CACNA2D2 is on the minus strand). VCF-style: chr3-50365375-C-A. GRCh37 (hg19) VCF-style: chr3-50402806-C-A.
Other names: c.3079G>T, p.Asp1027Tyr (NM_001005505.3); c.3100G>T, p.Asp1034Tyr (NM_001174051.3); c.2872G>T, p.Asp958Tyr (NM_001291101.1); c.3100G>T (NM_001174051.1); short protein forms D1034Y, D1027Y, D958Y.
Identifiers: ClinVar variation 841348 (VCV000841348.7), dbSNP rs587631845, ClinGen allele CA2418241.
Genomic context (GRCh38, chr3:50,365,375, plus strand): 5'-GGTTCCGCCCTTGGCCTCTGGTCCCGCCCCACTGCCAGCACCTGGAGCAGTTTCCGCAGT[C>A]GATGATGGCGTTGTAGGAGGCGTTTACCGAGCCGAAGTAGTACTGGGTCTGTTTCATGAC-3'
Protein context (NP_006021.2, residues 1017-1037): SVNASYNAII[Asp1027Tyr]CGNCSRLFHA

ClinVar aggregate classification (germline): Uncertain significance. Review status: criteria provided, multiple submitters, no conflicts (2 of 4 stars). 2 submissions from 2 submitters: Uncertain significance (2). Last evaluated 2025-08-20.

Conditions:
Inborn genetic diseases. Identifiers: MedGen C0950123, MeSH D030342.
Developmental and epileptic encephalopathy. Identifiers: MedGen C5779964, MONDO:0100620.

Allele frequency attached by ClinVar (database versions not stated): ExAC 0.00001; gnomAD 0.00001; gnomAD exomes 0.00001; 1000 Genomes Project 30x 0.00016; 1000 Genomes Project 0.00020.
gnomAD v4.1: 3 of 1,613,454 alleles (0.00019%); highest among the groups gnomAD compares: East Asian, 0.0067%; no homozygotes.

Submissions (2):

Ambry Genetics
Classification: Uncertain significance for Inborn genetic diseases. Last evaluated: 2025-08-20. Review status: criteria provided, single submitter. Criteria: Ambry Variant Classification Scheme 2023. Collection method: clinical testing. Allele origin: germline.

Labcorp Genetics (formerly Invitae), Labcorp
Classification: Uncertain significance for Early-infantile DEE. Last evaluated: 2022-08-09. Review status: criteria provided, single submitter. Criteria: Invitae Variant Classification Sherloc (09022015). Collection method: clinical testing. Allele origin: germline.
Comment: In summary, the available evidence is currently insufficient to determine the role of this variant in disease. Therefore, it has been classified as a Variant of Uncertain Significance. Algorithms developed to predict the effect of missense changes on protein structure and function (SIFT, PolyPhen-2, Align-GVGD) all suggest that this variant is likely to be disruptive. ClinVar contains an entry for this variant (Variation ID: 841348). This variant has not been reported in the literature in individuals affected with CACNA2D2-related conditions. This variant is present in population databases (rs587631845, gnomAD 0.01%). This sequence change replaces aspartic acid, which is acidic and polar, with tyrosine, which is neutral and polar, at codon 1027 of the CACNA2D2 protein (p.Asp1027Tyr).